The following is an entry in ClinVar:

ClinVar aggregate classification (germline): Pathogenic (1 of 4 stars; one submission).

Conditions:
Hereditary cancer-predisposing syndrome. Also called: Neoplastic Syndromes, Hereditary; Tumor predisposition; Hereditary Cancer Syndrome; Hereditary neoplastic syndrome. Identifiers: Orphanet 140162, MedGen C0027672, MeSH D009386, MONDO:0015356.

Submission:

Ambry Genetics
Classification: Pathogenic for Hereditary cancer-predisposing syndrome. Last evaluated: 2015-10-04. Review status: criteria provided, single submitter. Criteria: Ambry Variant Classification Scheme 2023. Collection method: clinical testing. Allele origin: germline.
Comment: The c.880delG pathogenic mutation, located in coding exon 8 of the BMPR1A gene, results from a deletion of one nucleotide at nucleotide position 880, causing a translational frameshift with a predicted alternate stop codon. Since frameshifts are typically deleterious in nature, this alteration is interpreted as a disease-causing mutation (ACMG Recommendations for Standards for Interpretation and Reporting of Sequence Variations. Revision 2007. Genet Med. 2008;10:294).

NM_004329.3(BMPR1A):c.880del (p.Ala294fs)

Gene: BMPR1A (bone morphogenetic protein receptor type 1A; plus strand). Cytogenetic location: 10q23.2.
Variant type: Deletion.
Coding change: c.880del on transcript NM_004329.3 (MANE Select); coding-DNA position 880, one base deleted (G; older notation c.880delG).
Protein change: p.Ala294fs; shifts the reading frame from alanine 294.
Molecular consequence: frameshift variant.
Genome position (GRCh38, 1-based): chr10:86,919,183, G deleted; the last of 2 consecutive G bases (chr10:86,919,182-86,919,183); deleting either gives the same sequence. VCF-style (leftmost placement, unchanged base first): chr10-86919181-CG-C. GRCh37 (hg19) VCF-style: chr10-88678938-CG-C.
Other names: c.955delG, p.Ala319Glnfs (NM_001406559.1); c.928delG, p.Ala310Glnfs (NM_001406560.1); c.880delG, p.Ala294Glnfs (NM_001406561.1, NM_001406562.1, NM_001406563.1 and 19 more transcripts); c.874delG, p.Ala292Glnfs (NM_001406583.1); c.796delG, p.Ala266Glnfs (NM_001406584.1, NM_001406585.1, NM_001406586.1 and 2 more transcripts); c.538delG, p.Ala180Glnfs (NM_001406589.1); short protein forms A294fs.
Identifiers: ClinVar variation 1764751 (VCV001764751.2), dbSNP rs2539617330, ClinGen allele CA2580082120.